The following is an entry in ClinVar:

NM_001386298.1(CIC):c.4814G>A (p.Arg1605Gln)

Gene: CIC (capicua transcriptional repressor; plus strand). Cytogenetic location: 19q13.2.
Variant type: single nucleotide variant.
Coding change: c.4814G>A on transcript NM_001386298.1 (MANE Select); coding-DNA position 4814, G replaced by A.
Protein change: p.Arg1605Gln; replaces arginine 1605 with glutamine.
Molecular consequence: missense variant.
Genome position (GRCh38, 1-based): chr19:42,290,855, G>A. VCF-style: chr19-42290855-G-A. GRCh37 (hg19) VCF-style: chr19-42795007-G-A.
Other names: c.4814G>A, p.Arg1605Gln (NM_001304815.2, NM_001379480.1, NM_001379482.1 and 1 more transcripts); c.2087G>A, p.Arg696Gln (NM_001379484.1, NM_001379485.1, NM_015125.5); short protein forms R1605Q, R696Q.
Identifiers: ClinVar variation 2261148 (VCV002261148.8), dbSNP rs200405570, ClinGen allele CA9472181.

ClinVar aggregate classification (germline): Likely benign. Review status: criteria provided, multiple submitters, no conflicts (2 of 4 stars). 2 submissions from 2 submitters: Likely benign (2). Last evaluated 2025-11-01.

Conditions:
Inborn genetic diseases. Identifiers: MedGen C0950123, MeSH D030342.

Allele frequency attached by ClinVar (database versions not stated): ESP Exome Variant Server 0.00015; ExAC 0.00016.
gnomAD v4.1: 57 of 1,611,264 alleles (0.0035%); highest among the groups gnomAD compares: Non-Finnish European, 0.0041%; no homozygotes.

Submissions (2):

CeGaT Center for Human Genetics Tuebingen
Classification: Likely benign. Last evaluated: 2025-11-01. Review status: criteria provided, single submitter. Criteria: CeGaT Center For Human Genetics Tuebingen Variant Classification Criteria Version 2. Collection method: clinical testing. Allele origin: germline. Affected: yes. Observed: 1 variant allele.
Comment: CIC: BP4, BS2

Ambry Genetics
Classification: Likely benign for Inborn genetic diseases. Last evaluated: 2021-11-12. Review status: criteria provided, single submitter. Criteria: Ambry Variant Classification Scheme 2023. Collection method: clinical testing. Allele origin: germline.